The following is an entry in ClinVar:

ClinVar aggregate classification (germline): Uncertain significance (1 of 4 stars; one submission).

Submission:

GeneDx
Classification: Uncertain significance. Last evaluated: 2025-03-19. Review status: criteria provided, single submitter. Criteria: GeneDx Variant Classification Process June 2021. Collection method: clinical testing. Allele origin: germline. Affected: yes.
Comment: Not observed at significant frequency in large population cohorts (gnomAD); In silico analysis supports that this missense variant has a deleterious effect on protein structure/function; Has not been previously published as pathogenic or benign to our knowledge

NM_001395002.1(MAP4K4):c.248C>G (p.Ala83Gly)

Gene: MAP4K4 (mitogen-activated protein kinase kinase kinase kinase 4; plus strand). Cytogenetic location: 2q11.2.
Variant type: single nucleotide variant.
Coding change: c.248C>G on transcript NM_001395002.1 (MANE Select); coding-DNA position 248, C replaced by G.
Protein change: p.Ala83Gly; replaces alanine 83 with glycine.
Molecular consequence: missense variant. On other transcripts: non-coding transcript variant (4).
Genome position (GRCh38, 1-based): chr2:101,823,995, C>G. VCF-style: chr2-101823995-C-G. GRCh37 (hg19) VCF-style: chr2-102440457-C-G.
Other names: c.248C>G, p.Ala83Gly (NM_001384481.1, NM_001384482.1, NM_001384483.1 and 28 more transcripts); c.221C>G, p.Ala74Gly (NM_001384549.1, NM_001384550.1, NM_001384551.1 and 16 more transcripts); short protein forms A74G, A83G.
Identifiers: ClinVar variation 4086365 (VCV004086365.1).